The following is an entry in ClinVar:

ClinVar aggregate classification (germline): Uncertain significance (1 of 4 stars; one submission).

gnomAD v4.1: 8 of 1,554,690 alleles (0.00051%); highest among the groups gnomAD compares: Non-Finnish European, 0.00069%; no homozygotes.

Submission:

Labcorp Genetics (formerly Invitae), Labcorp
Classification: Uncertain significance. Last evaluated: 2022-07-06. Review status: criteria provided, single submitter. Criteria: Invitae Variant Classification Sherloc (09022015). Collection method: clinical testing. Allele origin: germline.
Comment: In summary, the available evidence is currently insufficient to determine the role of this variant in disease. Therefore, it has been classified as a Variant of Uncertain Significance. Algorithms developed to predict the effect of missense changes on protein structure and function (SIFT, PolyPhen-2, Align-GVGD) all suggest that this variant is likely to be tolerated. This variant has not been reported in the literature in individuals affected with NSMCE3-related conditions. This variant is not present in population databases (gnomAD no frequency). This sequence change replaces glycine, which is neutral and non-polar, with alanine, which is neutral and non-polar, at codon 9 of the NSMCE3 protein (p.Gly9Ala).

NM_138704.4(NSMCE3):c.26G>C (p.Gly9Ala)

Genes: ENTREP2 (endosomal transmembrane epsin interactor 2; minus strand), NSMCE3 (NSE3 component of SMC5/6 complex; minus strand). Cytogenetic location: 15q13.1.
Variant type: single nucleotide variant.
Coding change: c.26G>C on transcript NM_138704.4 (MANE Select); coding-DNA position 26, G replaced by C.
Protein change: p.Gly9Ala; replaces glycine 9 with alanine.
Molecular consequence: missense variant. On other transcripts: intron variant (5).
Genome position (GRCh38, 1-based): chr15:29,269,680, C>G on the plus strand (G>C on the coding strand, the complement: NSMCE3 is on the minus strand). VCF-style: chr15-29269680-C-G. GRCh37 (hg19) VCF-style: chr15-29561884-C-G.
Other names: c.-12-17202G>C (NM_001387217.1, NM_001387215.1, NM_001387216.1); c.277-17202G>C (NM_001387214.1, NM_015307.2); short protein forms G9A.
Identifiers: ClinVar variation 2014765 (VCV002014765.4), dbSNP rs1424753789, ClinGen allele CA391485071.
Genomic context (GRCh38, chr15:29,269,680, plus strand): 5'-GCCCCGGGGTTTCCGCTATGGCTCCAGTCTCTGTCCCTCTCGGCCTGGCCGCCAGAGCGG[C>G]CCCGGTTCCTCGGTTTTTGCAACATGTCTCCGGCGGCAGGTGCCGGCGCACACTCCGGTA-3'
Protein context (NP_619649.1, residues 1-19): MLQKPRNR[Gly9Ala]RSGGQAERDR